The following is an entry in ClinVar:

ClinVar aggregate classification (germline): Uncertain significance. Review status: criteria provided, multiple submitters, no conflicts (2 of 4 stars). 2 submissions from 2 submitters: Uncertain significance (2). Last evaluated 2025-06-02.

Conditions:
Immunodeficiency 23 (IMD23). Also called: IMMUNODEFICIENCY WITH HYPER IgE AND COGNITIVE IMPAIRMENT; IMMUNODEFICIENCY-VASCULITIS-MYOCLONUS SYNDROME. Identifiers: Orphanet 443811, MedGen C4014371, MONDO:0014353, OMIM 615816.

Allele frequency attached by ClinVar (database versions not stated): TOPMed 0.00002.
gnomAD v4.1: 4 of 1,596,780 alleles (0.00025%); highest among the groups gnomAD compares: African/African-American, 0.004%; no homozygotes.

Submissions (2):

Women's Health and Genetics/Laboratory Corporation of America, LabCorp
Classification: Uncertain significance. Last evaluated: 2025-06-02. Review status: criteria provided, single submitter. Criteria: LabCorp Variant Classification Summary - May 2015. Collection method: clinical testing. Allele origin: germline.

Labcorp Genetics (formerly Invitae), Labcorp
Classification: Uncertain significance for Immunodeficiency 23. Last evaluated: 2022-08-20. Review status: criteria provided, single submitter. Criteria: Invitae Variant Classification Sherloc (09022015). Collection method: clinical testing. Allele origin: germline.
Comment: This sequence change falls in intron 4 of the PGM3 gene. It does not directly change the encoded amino acid sequence of the PGM3 protein. It affects a nucleotide within the consensus splice site. This variant is present in population databases (no rsID available, gnomAD 0.007%). This variant has not been reported in the literature in individuals affected with PGM3-related conditions. Variants that disrupt the consensus splice site are a relatively common cause of aberrant splicing (PMID: 17576681, 9536098). Algorithms developed to predict the effect of sequence changes on RNA splicing suggest that this variant is not likely to affect RNA splicing. In summary, the available evidence is currently insufficient to determine the role of this variant in disease. Therefore, it has been classified as a Variant of Uncertain Significance.

Literature cited by the submitters: PubMed 17576681 (cited by Labcorp Genetics (formerly Invitae), Labcorp); PubMed 9536098 (cited by Labcorp Genetics (formerly Invitae), Labcorp).

NM_015599.3(PGM3):c.389+6G>A

Gene: PGM3 (phosphoglucomutase 3; minus strand). Cytogenetic location: 6q14.1.
Variant type: single nucleotide variant.
Coding change: c.389+6G>A on transcript NM_015599.3 (MANE Select); 6 bases into the intron after coding-DNA position 389, G replaced by A.
Molecular consequence: intron variant.
Genome position (GRCh38, 1-based): chr6:83,188,608, C>T on the plus strand (G>A on the coding strand, the complement: PGM3 is on the minus strand). VCF-style: chr6-83188608-C-T. GRCh37 (hg19) VCF-style: chr6-83898327-C-T.
Other names: c.473+6G>A (NM_001199917.2, NM_001367287.1); c.146+6G>A (NM_001199918.2); c.389+6G>A (NM_001367286.1, NM_001199919.2).
Identifiers: ClinVar variation 1986530 (VCV001986530.2), dbSNP rs1478742693, ClinGen allele CA568301894.